The following is an entry in ClinVar:

NM_005359.6(SMAD4):c.948T>A (p.Asn316Lys)

Gene: SMAD4 (SMAD family member 4; plus strand). Cytogenetic location: 18q21.2.
Variant type: single nucleotide variant.
Coding change: c.948T>A on transcript NM_005359.6 (MANE Select); coding-DNA position 948, T replaced by A.
Protein change: p.Asn316Lys; replaces asparagine 316 with lysine.
Molecular consequence: missense variant. On other transcripts: non-coding transcript variant (2).
Genome position (GRCh38, 1-based): chr18:51,059,909, T>A. VCF-style: chr18-51059909-T-A. GRCh37 (hg19) VCF-style: chr18-48586279-T-A.
Other names: c.948T>A, p.Asn316Lys (NM_001407043.1, NM_001407041.1, NM_001407042.1); short protein forms N316K.
Identifiers: ClinVar variation 4046803 (VCV004046803.1).
Genomic context (GRCh38, chr18:51,059,909, plus strand): 5'-TGTTGTCTTTTCTTTAGGGCCTGTTCACAATGAGCTTGCATTCCAGCCTCCCATTTCCAA[T>A]CATCCTGGTAAGTGTATTTCAAAATTGATTTCCTGTATTTAGATTGATTTAGTGGTGATT-3'
Protein context (NP_005350.1, residues 306-326): NELAFQPPIS[Asn316Lys]HPAPEYWCSI

ClinVar aggregate classification (germline): Uncertain significance (1 of 4 stars; one submission).

Conditions:
Familial thoracic aortic aneurysm and aortic dissection (TAAD). Also called: Thoracic aortic aneurysms and dissections. Identifiers: Orphanet 91387, MedGen C4707243, MONDO:0019625.
Hereditary cancer-predisposing syndrome. Also called: Neoplastic Syndromes, Hereditary; Tumor predisposition; Hereditary neoplastic syndrome; Hereditary Cancer Syndrome. Identifiers: Orphanet 140162, MedGen C0027672, MeSH D009386, MONDO:0015356.

Submission:

Ambry Genetics
Classification: Uncertain significance for Hereditary cancer-predisposing syndrome; Familial thoracic aortic aneurysm and aortic dissection. Last evaluated: 2025-06-08. Review status: criteria provided, single submitter. Criteria: Ambry Variant Classification Scheme 2023. Collection method: clinical testing. Allele origin: germline.
Comment: The p.N316K variant (also known as c.948T>A), located in coding exon 7 of the SMAD4 gene, results from a T to A substitution at nucleotide position 948. The asparagine at codon 316 is replaced by lysine, an amino acid with similar properties. This amino acid position is conserved. In addition, the in silico prediction for this alteration is inconclusive. Based on the available evidence, the clinical significance of this variant remains unclear.